The following is an entry in ClinVar:

NM_032638.5(GATA2):c.-46+13C>T

Genes: GATA2 (GATA binding protein 2; minus strand), GATA2-AS1 (GATA2 antisense RNA 1; plus strand). Cytogenetic location: 3q21.3.
Variant type: single nucleotide variant.
Coding change: c.-46+13C>T on transcript NM_032638.5 (MANE Select); 13 bases into the intron after 46 bases upstream of the start codon, C replaced by T.
Molecular consequence: intron variant.
Genome position (GRCh38, 1-based): chr3:128,492,886, G>A on the plus strand (C>T on the coding strand, the complement: GATA2 is on the minus strand). VCF-style: chr3-128492886-G-A. GRCh37 (hg19) VCF-style: chr3-128211729-G-A.
Identifiers: ClinVar variation 343144 (VCV000343144.5), dbSNP rs559062253, ClinGen allele CA10617220.

ClinVar aggregate classification (germline): Likely benign (1 of 4 stars; one submission).

Conditions:
Deafness-lymphedema-leukemia syndrome. Also called: Lymphedema, primary, with myelodysplasia; Emberger syndrome. Identifiers: Orphanet 3226, MedGen C3279664, MONDO:0013540, OMIM 614038.

Allele frequency attached by ClinVar (database versions not stated): gnomAD exomes 0.01715; 1000 Genomes Project 30x 0.00125; 1000 Genomes Project 0.00100; gnomAD 0.00559 and 0.00574; TOPMed 0.00506.
gnomAD v4.1: 856 of 153,066 alleles (0.56%); highest among the groups gnomAD compares: Non-Finnish European, 0.95%; 1 homozygote.

Submission:

Illumina Laboratory Services, Illumina
Classification: Likely benign for Deafness-lymphedema-leukemia syndrome. Last evaluated: 2018-01-12. Review status: criteria provided, single submitter. Criteria: ICSL Variant Classification Criteria 13 December 2019. Collection method: clinical testing. Allele origin: germline.
Comment: This variant was observed in the ICSL laboratory as part of a predisposition screen in an ostensibly healthy population. It had not been previously curated by ICSL or reported in the Human Gene Mutation Database (HGMD: prior to June 1st, 2018), and was therefore a candidate for classification through an automated scoring system. Utilizing variant allele frequency, disease prevalence and penetrance estimates, and inheritance mode, an automated score was calculated to assess if this variant is too frequent to cause the disease. Based on the score and internal cut-off values, a variant classified as likely benign is not then subjected to further curation. The score for this variant resulted in a classification of likely benign for this disease.